The following is an entry in ClinVar:

NM_000051.4(ATM):c.7198A>C (p.Arg2400=)

Genes: ATM (ATM serine/threonine kinase; plus strand), C11orf65 (chromosome 11 open reading frame 65; minus strand). Cytogenetic location: 11q22.3.
Variant type: single nucleotide variant.
Coding change: c.7198A>C on transcript NM_000051.4 (MANE Select); coding-DNA position 7198, A replaced by C.
Protein change: p.Arg2400=; no amino-acid change (arginine 2400 retained).
Molecular consequence: synonymous variant. On other transcripts: intron variant (2).
Genome position (GRCh38, 1-based): chr11:108,329,129, A>C. VCF-style: chr11-108329129-A-C. GRCh37 (hg19) VCF-style: chr11-108199856-A-C.
Other names: c.7198A>C, p.Arg2400= (NM_001351834.2); c.641-20058T>G (NM_001330368.2); c.*38+6091T>G (NM_001351110.2).
Identifiers: ClinVar variation 453664 (VCV000453664.16), dbSNP rs777423778, ClinGen allele CA6266076.

ClinVar aggregate classification (germline): Benign/Likely benign. Review status: criteria provided, multiple submitters, no conflicts (2 of 4 stars). 4 submissions from 4 submitters: Benign (1); Likely benign (3). Last evaluated 2024-06-13.

Conditions:
Hereditary cancer-predisposing syndrome. Also called: Neoplastic Syndromes, Hereditary; Hereditary Cancer Syndrome; Tumor predisposition; Hereditary neoplastic syndrome. Identifiers: Orphanet 140162, MedGen C0027672, MeSH D009386, MONDO:0015356.
Ataxia-telangiectasia syndrome (AT). Also called: LOUIS-BAR SYNDROME; Cerebello-oculocutaneous telangiectasia; Immunodeficiency with ataxia telangiectasia; Ataxia-telangiectasia, complementation group D; AT, COMPLEMENTATION GROUP C; Ataxia-telangiectasia, complementation group E. Identifiers: Orphanet 100, MedGen C0004135, MONDO:0008840, OMIM 208900.
Familial cancer of breast. Also called: Hereditary breast cancer; BREAST CANCER, FAMILIAL; hereditary breast carcinoma. Identifiers: Orphanet 227535, MedGen C0346153, MONDO:0016419, OMIM 114480. Disease mechanism: loss of function.

Allele frequency attached by ClinVar (database versions not stated): gnomAD exomes below 0.00001; ExAC 0.00001.
gnomAD v4.1: 1 of 1,614,138 alleles (0.000062%); highest among the groups gnomAD compares: Non-Finnish European, 0.000085%; no homozygotes.

Submissions (4):

Myriad Genetics, Inc.
Classification: Benign for Familial cancer of breast. Last evaluated: 2024-06-13. Review status: criteria provided, single submitter. Criteria: Myriad Autosomal Dominant, Autosomal Recessive and X-Linked Classification Criteria (2023). Collection method: clinical testing. Allele origin: unknown.
Comment: This variant is considered benign. This variant is a silent/synonymous amino acid change and it is not expected to impact splicing.

Labcorp Genetics (formerly Invitae), Labcorp
Classification: Likely benign for Ataxia-telangiectasia syndrome. Last evaluated: 2024-01-02. Review status: criteria provided, single submitter. Criteria: Invitae Variant Classification Sherloc (09022015). Collection method: clinical testing. Allele origin: germline.

Ambry Genetics
Classification: Likely benign for Hereditary cancer-predisposing syndrome. Last evaluated: 2019-05-22. Review status: criteria provided, single submitter. Criteria: Ambry Variant Classification Scheme 2023. Collection method: clinical testing. Allele origin: germline.

Color Diagnostics, LLC DBA Color Health
Classification: Likely benign for Hereditary cancer-predisposing syndrome. Last evaluated: 2018-11-01. Review status: criteria provided, single submitter. Criteria: ACMG Guidelines, 2015. Collection method: clinical testing. Allele origin: germline.